The following is an entry in ClinVar:

NM_004006.3(DMD):c.2384G>A (p.Gly795Asp)

Gene: DMD (dystrophin; minus strand). Cytogenetic location: Xp21.1.
Variant type: single nucleotide variant.
Coding change: c.2384G>A on transcript NM_004006.3 (MANE Select); coding-DNA position 2384, G replaced by A.
Protein change: p.Gly795Asp; replaces glycine 795 with aspartic acid.
Molecular consequence: missense variant.
Genome position (GRCh38, 1-based): chrX:32,491,515, C>T on the plus strand (G>A on the coding strand, the complement: DMD is on the minus strand). VCF-style: chrX-32491515-C-T. GRCh37 (hg19) VCF-style: chrX-32509632-C-T.
Other names: c.2360G>A, p.Gly787Asp (NM_000109.4); c.2372G>A, p.Gly791Asp (NM_004009.3); c.2015G>A, p.Gly672Asp (NM_004010.3); short protein forms G795D, G791D, G672D, G787D.
Identifiers: ClinVar variation 4824035 (VCV004824035.1).

ClinVar aggregate classification (germline): Uncertain significance (1 of 4 stars; one submission).

Conditions:
Cardiovascular phenotype. Identifiers: MedGen CN230736.

Submission:

Ambry Genetics
Classification: Uncertain significance for Cardiovascular phenotype. Last evaluated: 2026-01-17. Review status: criteria provided, single submitter. Criteria: Ambry Variant Classification Scheme 2023. Collection method: clinical testing. Allele origin: germline.
Comment: The p.G795D variant (also known as c.2384G>A), located in coding exon 20 of the DMD gene, results from a G to A substitution at nucleotide position 2384. The glycine at codon 795 is replaced by aspartic acid, an amino acid with similar properties. This amino acid position is conserved. In addition, this alteration is predicted to be tolerated by in silico analysis. Based on the available evidence, the clinical significance of this variant remains unclear.